The following is an entry in ClinVar:

NC_012920.1(MT-ATP8):m.8466A>G

Gene: MT-ATP8 (mitochondrially encoded ATP synthase 8; plus strand).
Variant type: single nucleotide variant.
Genome position: chrM-8466-A-G.
Identifiers: ClinVar variation 692866 (VCV000692866.1), dbSNP rs1603221500, ClinGen allele CA414796218.

ClinVar aggregate classification (germline): Uncertain significance (1 of 4 stars; one submission).

Conditions:
Leigh syndrome (NULS). Also called: Leigh's necrotizing encephalopathy; Leigh's disease; Leigh Syndrome (mtDNA deletion); Leigh Disease; Subacute necrotizing encephalopathy; Necrotizing encephalopathy infantile subacute of Leigh. Identifiers: Orphanet 506, MedGen C2931891, MONDO:0009723, OMIM 256000.

Submission:

Wong Mito Lab, Molecular and Human Genetics, Baylor College of Medicine
Classification: Uncertain significance for Leigh syndrome. Last evaluated: 2019-10-17. Review status: criteria provided, single submitter. Criteria: Modified ACMG Guidelines (Unpublished). Collection method: clinical testing. Allele origin: germline.
Comment: The NC_012920.1:m.8466A>G (YP_003024030.1:p.His34Arg) variant in MTATP8 gene is interpretated to be a Uncertain Significance variant based on the modified ACMG guidelines (unpublished). This variant meets the following evidence codes: BS1